The following is an entry in ClinVar:

NM_014391.3(ANKRD1):c.527G>A (p.Gly176Glu)

Gene: ANKRD1 (ankyrin repeat domain 1; minus strand). Cytogenetic location: 10q23.31.
Variant type: single nucleotide variant.
Coding change: c.527G>A on transcript NM_014391.3 (MANE Select); coding-DNA position 527, G replaced by A.
Protein change: p.Gly176Glu; replaces glycine 176 with glutamic acid.
Molecular consequence: missense variant.
Genome position (GRCh38, 1-based): chr10:90,917,757, C>T on the plus strand (G>A on the coding strand, the complement: ANKRD1 is on the minus strand). VCF-style: chr10-90917757-C-T. GRCh37 (hg19) VCF-style: chr10-92677514-C-T.
Other names: short protein forms G176E.
Identifiers: ClinVar variation 4053892 (VCV004053892.1).

ClinVar aggregate classification (germline): Uncertain significance (1 of 4 stars; one submission).

Conditions:
Cardiovascular phenotype. Identifiers: MedGen CN230736.

gnomAD v4.1: 1 of 1,614,036 alleles (0.000062%); highest among the groups gnomAD compares: East Asian, 0.0022%; no homozygotes.

Submission:

Ambry Genetics
Classification: Uncertain significance for Cardiovascular phenotype. Last evaluated: 2025-04-03. Review status: criteria provided, single submitter. Criteria: Ambry Variant Classification Scheme 2023. Collection method: clinical testing. Allele origin: germline.
Comment: The p.G176E variant (also known as c.527G>A), located in coding exon 5 of the ANKRD1 gene, results from a G to A substitution at nucleotide position 527. The glycine at codon 176 is replaced by glutamic acid, an amino acid with similar properties. This amino acid position is highly conserved in available vertebrate species. In addition, this alteration is predicted to be deleterious by in silico analysis. The evidence for this gene-disease relationship is limited; therefore, the clinical significance of this alteration is unclear.